The following is an entry in ClinVar:

ClinVar aggregate classification (germline): Pathogenic (1 of 4 stars; one submission).

Conditions:
Complex neurodevelopmental disorder. Identifiers: Orphanet 528084, MedGen C5568766, MONDO:0100038.
SCN2A-related generalized epilepsy with febrile seizures plus. Identifiers: MedGen CN120574.
Seizures, benign familial infantile, 3 (BFIS3). Also called: Familial neonatal seizures; CONVULSIONS, BENIGN FAMILIAL INFANTILE, 3. Identifiers: Orphanet 140927, Orphanet 306, MedGen C1843140, MONDO:0011904, OMIM 607745.

Submission:

GeneDx
Classification: Pathogenic. Last evaluated: 2015-07-30. Review status: criteria provided, single submitter. Criteria: GeneDx Variant Classification (06012015). Collection method: clinical testing. Allele origin: germline. Affected: yes.
Comment: The S1758R substitution in the SCN2A gene has not been reported previously as a pathogenic variantnor as a benign polymorphism, to our knowledge. The S1758R variant was not observed in approximately6500 individuals of European and African American ancestry in the NHLBI Exome Sequencing Project,indicating it is not a common variant in these populations. The S1758R variant is a semi-conservativeamino acid substitution at a position that is conserved across species. The S1758R substitution is located inthe transmembrane segment S6 of the fourth homologous domain of the SCN2A protein. In silico analysispredicts this variant is probably damaging to the protein structure/function. We interpret S1758R as apathogenic variant.

NM_001040142.2(SCN2A):c.5272A>C (p.Ser1758Arg)

Gene: SCN2A (sodium voltage-gated channel alpha subunit 2; plus strand). Cytogenetic location: 2q24.3.
Variant type: single nucleotide variant.
Coding change: c.5272A>C on transcript NM_001040142.2 (MANE Select); coding-DNA position 5272, A replaced by C.
Protein change: p.Ser1758Arg; replaces serine 1758 with arginine.
Molecular consequence: missense variant.
Genome position (GRCh38, 1-based): chr2:165,389,078, A>C. VCF-style: chr2-165389078-A-C. GRCh37 (hg19) VCF-style: chr2-166245588-A-C.
Other names: c.5272A>C, p.Ser1758Arg (NM_001040143.2, NM_001371246.1, NM_001371247.1 and 1 more transcripts); short protein forms S1758R.
Identifiers: ClinVar variation 419634 (VCV000419634.5), dbSNP rs1064794005, ClinGen allele CA16617274.
Genomic context (GRCh38, chr2:165,389,078, plus strand): 5'-CCTGGAAGCTCAGTTAAAGGAGACTGTGGGAACCCATCTGTTGGGATTTTCTTTTTTGTC[A>C]GTTACATCATCATATCCTTCCTGGTTGTGGTGAACATGTACATCGCGGTCATCCTGGAGA-3'
Protein context (NP_001035232.1, residues 1748-1768): NPSVGIFFFV[Ser1758Arg]YIIISFLVVV